The following is an entry in ClinVar:

NM_001374353.1(GLI2):c.1942A>G (p.Ser648Gly)

Gene: GLI2 (GLI family zinc finger 2; plus strand). Cytogenetic location: 2q14.2.
Variant type: single nucleotide variant.
Coding change: c.1942A>G on transcript NM_001374353.1 (MANE Select); coding-DNA position 1942, A replaced by G.
Protein change: p.Ser648Gly; replaces serine 648 with glycine.
Molecular consequence: missense variant.
Genome position (GRCh38, 1-based): chr2:120,986,314, A>G. VCF-style: chr2-120986314-A-G. GRCh37 (hg19) VCF-style: chr2-121743890-A-G.
Other names: c.1993A>G, p.Ser665Gly (NM_001371271.1, NM_005270.5); c.1567A>G, p.Ser523Gly (NM_001374354.1); c.1993A>G (NM_005270.4); short protein forms S665G, S523G, S648G.
Identifiers: ClinVar variation 1391365 (VCV001391365.5), dbSNP rs561810561, ClinGen allele CA1852092.

ClinVar aggregate classification (germline): Uncertain significance. Review status: criteria provided, multiple submitters, no conflicts (2 of 4 stars). 2 submissions from 2 submitters: Uncertain significance (2). Last evaluated 2023-01-09.

Conditions:
Inborn genetic diseases. Identifiers: MedGen C0950123, MeSH D030342.
Postaxial polydactyly-anterior pituitary anomalies-facial dysmorphism syndrome. Also called: Culler-Jones syndrome. Identifiers: Orphanet 420584, MedGen C4014479, MONDO:0014369, OMIM 615849.
Holoprosencephaly 9 (HPE9). Also called: HOLOPROSENCEPHALY WITH MICROPHTHALMIA AND FIRST BRANCHIAL ARCH ANOMALIES; PITUITARY ANOMALIES WITH HOLOPROSENCEPHALY-LIKE FEATURES. Identifiers: Orphanet 2162, MedGen C1835819, MONDO:0012563, OMIM 610829.

Allele frequency attached by ClinVar (database versions not stated): gnomAD 0.00001; gnomAD exomes 0.00001 and 0.00002; ExAC 0.00002; TOPMed 0.00002; 1000 Genomes Project 0.00020; 1000 Genomes Project 30x 0.00031.
gnomAD v4.1: 14 of 1,613,444 alleles (0.00087%); highest among the groups gnomAD compares: Admixed American, 0.022%; no homozygotes.

Submissions (2):

Labcorp Genetics (formerly Invitae), Labcorp
Classification: Uncertain significance for Postaxial polydactyly-anterior pituitary anomalies-facial dysmorphism syndrome; Holoprosencephaly 9. Last evaluated: 2023-01-09. Review status: criteria provided, single submitter. Criteria: Invitae Variant Classification Sherloc (09022015). Collection method: clinical testing. Allele origin: germline.
Comment: In summary, the available evidence is currently insufficient to determine the role of this variant in disease. Therefore, it has been classified as a Variant of Uncertain Significance. Advanced modeling of protein sequence and biophysical properties (such as structural, functional, and spatial information, amino acid conservation, physicochemical variation, residue mobility, and thermodynamic stability) performed at Invitae indicates that this missense variant is not expected to disrupt GLI2 protein function. ClinVar contains an entry for this variant (Variation ID: 1391365). This variant has not been reported in the literature in individuals affected with GLI2-related conditions. This variant is present in population databases (rs561810561, gnomAD 0.01%). This sequence change replaces serine, which is neutral and polar, with glycine, which is neutral and non-polar, at codon 665 of the GLI2 protein (p.Ser665Gly).

Ambry Genetics
Classification: Uncertain significance for Inborn genetic diseases. Last evaluated: 2021-03-16. Review status: criteria provided, single submitter. Criteria: Ambry Variant Classification Scheme 2023. Collection method: clinical testing. Allele origin: germline.
Comment: The c.1993A>G (p.S665G) alteration is located in exon 12 (coding exon 12) of the GLI2 gene. This alteration results from a A to G substitution at nucleotide position 1993, causing the serine (S) at amino acid position 665 to be replaced by a glycine (G). The p.S665G alteration is predicted to be tolerated by in silico analysis. Based on insufficient or conflicting evidence, the clinical significance of this alteration remains unclear.